The following is an entry in ClinVar:

NM_001164508.2(NEB):c.1231A>T (p.Thr411Ser)

Gene: NEB (nebulin; minus strand). Cytogenetic location: 2q23.3.
Variant type: single nucleotide variant.
Coding change: c.1231A>T on transcript NM_001164508.2 (MANE Select); coding-DNA position 1231, A replaced by T.
Protein change: p.Thr411Ser; replaces threonine 411 with serine.
Molecular consequence: missense variant.
Genome position (GRCh38, 1-based): chr2:151,697,570, T>A on the plus strand (A>T on the coding strand, the complement: NEB is on the minus strand). VCF-style: chr2-151697570-T-A. GRCh37 (hg19) VCF-style: chr2-152554084-T-A.
Other names: c.1231A>T, p.Thr411Ser (NM_001164507.2, NM_001271208.2, NM_004543.5); short protein forms T411S.
Identifiers: ClinVar variation 1010019 (VCV001010019.6), dbSNP rs2099605512, ClinGen allele CA348825861.

ClinVar aggregate classification (germline): Uncertain significance (1 of 4 stars; one submission).

Conditions:
Nemaline myopathy 2 (NEM2). Also called: Nemaline myopathy 2, autosomal recessive. Identifiers: MedGen C1850569, MONDO:0009725, OMIM 256030.

Allele frequency attached by ClinVar (database versions not stated): gnomAD exomes below 0.00001.
gnomAD v4.1: 3 of 1,613,402 alleles (0.00019%); highest among the groups gnomAD compares: Non-Finnish European, 0.00025%; no homozygotes.

Submission:

Labcorp Genetics (formerly Invitae), Labcorp
Classification: Uncertain significance for Nemaline myopathy 2. Last evaluated: 2021-08-28. Review status: criteria provided, single submitter. Criteria: Invitae Variant Classification Sherloc (09022015). Collection method: clinical testing. Allele origin: germline.
Comment: This sequence change replaces threonine with serine at codon 411 of the NEB protein (p.Thr411Ser). The threonine residue is moderately conserved and there is a small physicochemical difference between threonine and serine. This variant is not present in population databases (ExAC no frequency). This variant has not been reported in the literature in individuals affected with NEB-related conditions. Algorithms developed to predict the effect of missense changes on protein structure and function output the following: SIFT: "Tolerated"; PolyPhen-2: "Not Available"; Align-GVGD: "Class C0". The serine amino acid residue is found in multiple mammalian species, which suggests that this missense change does not adversely affect protein function. In summary, the available evidence is currently insufficient to determine the role of this variant in disease. Therefore, it has been classified as a Variant of Uncertain Significance.